The following is an entry in ClinVar:

NM_000535.7(PMS2):c.1786A>C (p.Asn596His)

Gene: PMS2 (PMS1 homolog 2, mismatch repair system component; minus strand). Cytogenetic location: 7p22.1.
Variant type: single nucleotide variant.
Coding change: c.1786A>C on transcript NM_000535.7 (MANE Select); coding-DNA position 1786, A replaced by C.
Protein change: p.Asn596His; replaces asparagine 596 with histidine.
Molecular consequence: missense variant. On other transcripts: non-coding transcript variant (1).
Genome position (GRCh38, 1-based): chr7:5,986,979, T>G on the plus strand (A>C on the coding strand, the complement: PMS2 is on the minus strand). VCF-style: chr7-5986979-T-G. GRCh37 (hg19) VCF-style: chr7-6026610-T-G.
Other names: c.1381A>C, p.Asn461His (NM_001018040.1, NM_001322003.2, NM_001322004.2 and 17 more transcripts); c.1630A>C, p.Asn544His (NM_001322006.2, NM_001406870.1); c.1468A>C, p.Asn490His (NM_001322007.2, NM_001322008.2, NM_001406883.1 and 2 more transcripts); c.1225A>C, p.Asn409His (NM_001322010.2, NM_001406906.1, NM_001406907.1); c.853A>C, p.Asn285His (NM_001322011.2, NM_001322012.2); c.1213A>C, p.Asn405His (NM_001322013.2, NM_001406909.1); c.1786A>C, p.Asn596His (NM_001322014.2, NM_001406871.1, NM_001406872.1); c.1477A>C, p.Asn493His (NM_001322015.2, NM_001406878.1, NM_001406879.1 and 5 more transcripts); and 12 more; short protein forms N339H, N461H, N474H, N490H, N658H, N405H, N488H, N285H.
Identifiers: ClinVar variation 2099314 (VCV002099314.4), dbSNP rs1583315513, ClinGen allele CA366739865.

ClinVar aggregate classification (germline): Uncertain significance (1 of 4 stars; one submission).

Conditions:
Hereditary nonpolyposis colorectal neoplasms. Identifiers: MedGen C0009405, MeSH D003123.

Submission:

Labcorp Genetics (formerly Invitae), Labcorp
Classification: Uncertain significance for Hereditary nonpolyposis colorectal neoplasms. Last evaluated: 2022-02-19. Review status: criteria provided, single submitter. Criteria: Invitae Variant Classification Sherloc (09022015). Collection method: clinical testing. Allele origin: germline.
Comment: In summary, the available evidence is currently insufficient to determine the role of this variant in disease. Therefore, it has been classified as a Variant of Uncertain Significance. Advanced modeling of protein sequence and biophysical properties (such as structural, functional, and spatial information, amino acid conservation, physicochemical variation, residue mobility, and thermodynamic stability) performed at Invitae indicates that this missense variant is not expected to disrupt PMS2 protein function. This variant has not been reported in the literature in individuals affected with PMS2-related conditions. This variant is not present in population databases (gnomAD no frequency). This sequence change replaces asparagine, which is neutral and polar, with histidine, which is basic and polar, at codon 596 of the PMS2 protein (p.Asn596His).